The following is an entry in ClinVar:

ClinVar aggregate classification (germline): Pathogenic. Review status: criteria provided, single submitter (1 of 4 stars). 2 submissions from 2 submitters: Pathogenic (1). 1 of the submissions does not count toward it. Last evaluated 2019-07-17.

Conditions:
Ehlers-Danlos syndrome, type 4 (EDSVASC). Also called: Ehlers-Danlos syndrome vascular type; Ehlers Danlos syndrome, ecchymotic type; Ehlers Danlos syndrome, arterial type; Ehlers Danlos syndrome, Sack-Barabas type; Ehlers-Danlos Syndrome Type IV. Identifiers: Orphanet 286, MedGen C0268338, MONDO:0017314, OMIM 130050.

Submissions (2):

Labcorp Genetics (formerly Invitae), Labcorp
Classification: Pathogenic for Ehlers-Danlos syndrome, type 4. Last evaluated: 2019-07-17. Review status: criteria provided, single submitter. Criteria: Invitae Variant Classification Sherloc (09022015). Collection method: clinical testing. Allele origin: germline.
Comment: For these reasons, this variant has been classified as Pathogenic. This sequence change replaces glycine with aspartic acid at codon 603 of the COL3A1 protein (p.Gly603Asp). The glycine residue is highly conserved and there is a moderate physicochemical difference between glycine and aspartic acid. This variant is not present in population databases (ExAC no frequency). This variant has been observed to be de novo in an individual affected with vascular-type Ehlers-Danlos syndrome (PMID: 20518783), and it has been reported in other affected individuals (PMID: 22019127, 22610159, 24922459). ClinVar contains an entry for this variant (Variation ID: 101233). Algorithms developed to predict the effect of missense changes on protein structure and function are either unavailable or do not agree on the potential impact of this missense change (SIFT: "Deleterious"; PolyPhen-2: "Not Available"; Align-GVGD: "Class C65"). Glycine residues within the Gly-Xaa-Yaa repeats of the triple helix domain are required for the structure and stability of fibrillar collagens (PMID: 7695699, 8218237, 19344236). In COL3A1, variants that affect these glycine residues are significantly enriched in individuals with disease (PMID: 24922459, 25758994) compared to the general population (ExAC).

Collagen Diagnostic Laboratory, University of Washington
Classification: Pathogenic for Ehlers-Danlos syndrome, type 4. Review status: no assertion criteria provided. Collection method: clinical testing. Allele origin: germline. Affected: yes. Not counted in ClinVar's aggregate classification.

Literature cited by the submitters: PubMed 20518783 (cited by Labcorp Genetics (formerly Invitae), Labcorp); PubMed 22019127 (cited by Labcorp Genetics (formerly Invitae), Labcorp); PubMed 22610159 (cited by Labcorp Genetics (formerly Invitae), Labcorp); PubMed 24922459 (cited by Labcorp Genetics (formerly Invitae), Labcorp); PubMed 7695699 (cited by Labcorp Genetics (formerly Invitae), Labcorp); PubMed 8218237 (cited by Labcorp Genetics (formerly Invitae), Labcorp); PubMed 19344236 (cited by Labcorp Genetics (formerly Invitae), Labcorp); PubMed 25758994 (cited by Labcorp Genetics (formerly Invitae), Labcorp).

NM_000090.4(COL3A1):c.1808G>A (p.Gly603Asp)

Gene: COL3A1 (collagen type III alpha 1 chain; plus strand). Cytogenetic location: 2q32.2.
Variant type: single nucleotide variant.
Coding change: c.1808G>A on transcript NM_000090.4 (MANE Select); coding-DNA position 1808, G replaced by A.
Protein change: p.Gly603Asp; replaces glycine 603 with aspartic acid.
Molecular consequence: missense variant.
Genome position (GRCh38, 1-based): chr2:188,997,211, G>A. VCF-style: chr2-188997211-G-A. GRCh37 (hg19) VCF-style: chr2-189861937-G-A.
Identifiers: ClinVar variation 101233 (VCV000101233.12), dbSNP rs587779477, ClinGen allele CA004546.